The following is an entry in ClinVar:

NM_000173.7(GP1BA):c.-5T>C

Gene: GP1BA (glycoprotein Ib platelet subunit alpha; plus strand). Cytogenetic location: 17p13.2.
Variant type: single nucleotide variant.
Coding change: c.-5T>C on transcript NM_000173.7 (MANE Select); 5 bases upstream of the start codon, T replaced by C.
Molecular consequence: 5 prime UTR variant.
Genome position (GRCh38, 1-based): chr17:4,932,600, T>C. VCF-style: chr17-4932600-T-C. GRCh37 (hg19) VCF-style: chr17-4835895-T-C.
Identifiers: ClinVar variation 255460 (VCV000255460.9), dbSNP rs2243093, ClinGen allele CA8314674.

ClinVar aggregate classification (germline): Benign/Likely benign. Review status: criteria provided, multiple submitters, no conflicts (2 of 4 stars). 6 submissions from 6 submitters: Benign (5); Likely benign (1). Last evaluated 2026-05-11.

Allele frequency attached by ClinVar (database versions not stated): gnomAD exomes 0.13562 and 0.15924; ESP Exome Variant Server 0.14990; ExAC 0.16085; gnomAD 0.16981 and 0.17006; TOPMed 0.17207; 1000 Genomes Project 0.18750; 1000 Genomes Project 30x 0.18988.
gnomAD v4.1: 224,044 of 1,610,520 alleles (14%); highest among the groups gnomAD compares: East Asian, 27%; 16,697 homozygotes.

Submissions (6):

Women's Health and Genetics/Laboratory Corporation of America, LabCorp
Classification: Benign. Last evaluated: 2026-05-11. Review status: criteria provided, single submitter. Criteria: LabCorp Variant Classification Summary - May 2015. Collection method: clinical testing. Allele origin: germline.

Mayo Clinic Laboratories, Mayo Clinic
Classification: Benign. Last evaluated: 2025-08-15. Review status: criteria provided, single submitter. Criteria: ACMG Guidelines, 2015. Collection method: clinical testing. Allele origin: germline. Observed: 377 variant alleles.

Blueprint Genetics
Classification: Likely benign. Last evaluated: 2024-11-28. Review status: criteria provided, single submitter. Criteria: ACMG Guidelines, 2015. Collection method: clinical testing. Allele origin: germline.

GeneDx
Classification: Benign. Last evaluated: 2021-05-05. Review status: criteria provided, single submitter. Criteria: GeneDx Variant Classification Process June 2021. Collection method: clinical testing. Allele origin: germline. Affected: yes.
Comment: This variant is associated with the following publications: (PMID: 11751671, 17029210, 22196864, 18283530, 23315997)

Breakthrough Genomics
Classification: Benign. Review status: criteria provided, single submitter. Criteria: ACMG Guidelines, 2015. Collection method: not provided. Allele origin: germline. Inheritance: Autosomal recessive inheritance. Affected: yes.

PreventionGenetics, part of Exact Sciences
Classification: Benign. Review status: criteria provided, single submitter. Criteria: ACMG Guidelines, 2015. Collection method: clinical testing. Allele origin: germline.